The following is an entry in ClinVar:

NM_005359.6(SMAD4):c.827A>C (p.Tyr276Ser)

Gene: SMAD4 (SMAD family member 4; plus strand). Cytogenetic location: 18q21.2.
Variant type: single nucleotide variant.
Coding change: c.827A>C on transcript NM_005359.6 (MANE Select); coding-DNA position 827, A replaced by C.
Protein change: p.Tyr276Ser; replaces tyrosine 276 with serine.
Molecular consequence: missense variant.
Genome position (GRCh38, 1-based): chr18:51,058,379, A>C. VCF-style: chr18-51058379-A-C. GRCh37 (hg19) VCF-style: chr18-48584749-A-C.
Other names: short protein forms Y276S.
Identifiers: ClinVar variation 1039184 (VCV001039184.8), dbSNP rs1229812463, ClinGen allele CA402463410.
Genomic context (GRCh38, chr18:51,058,379, plus strand): 5'-CATGTGGGCCTTAATTTTTAGACAGCACTACCACCTGGACTGGAAGTAGGACTGCACCAT[A>C]CACACCTAATTTGCCTCACCACCAAAACGGCCATCTTCAGCACCACCCGCCTATGCCGCC-3'
Protein context (NP_005350.1, residues 266-286): TTWTGSRTAP[Tyr276Ser]TPNLPHHQNG

ClinVar aggregate classification (germline): Uncertain significance (1 of 4 stars; one submission).

Conditions:
Juvenile polyposis syndrome (JPS). Identifiers: Orphanet 2929, MedGen C0345893, MONDO:0017380, OMIM 174900.

Submission:

Labcorp Genetics (formerly Invitae), Labcorp
Classification: Uncertain significance for Juvenile polyposis syndrome. Last evaluated: 2020-06-27. Review status: criteria provided, single submitter. Criteria: Invitae Variant Classification Sherloc (09022015). Collection method: clinical testing. Allele origin: germline.
Comment: In summary, the available evidence is currently insufficient to determine the role of this variant in disease. Therefore, it has been classified as a Variant of Uncertain Significance. Algorithms developed to predict the effect of missense changes on protein structure and function are either unavailable or do not agree on the potential impact of this missense change (SIFT: "Deleterious"; PolyPhen-2: "Benign"; Align-GVGD: "Class C55"). This variant has not been reported in the literature in individuals with SMAD4-related conditions. This variant is not present in population databases (ExAC no frequency). This sequence change replaces tyrosine with serine at codon 276 of the SMAD4 protein (p.Tyr276Ser). The tyrosine residue is moderately conserved and there is a large physicochemical difference between tyrosine and serine.